The following is an entry in ClinVar:

NM_001291415.2(KDM6A):c.754A>C (p.Met252Leu)

Gene: KDM6A (lysine demethylase 6A; plus strand). Cytogenetic location: Xp11.3.
Variant type: single nucleotide variant.
Coding change: c.754A>C on transcript NM_001291415.2 (MANE Select); coding-DNA position 754, A replaced by C.
Protein change: p.Met252Leu; replaces methionine 252 with leucine.
Molecular consequence: missense variant. On other transcripts: initiator codon variant (1), non-coding transcript variant (1).
Genome position (GRCh38, 1-based): chrX:45,053,834, A>C. VCF-style: chrX-45053834-A-C. GRCh37 (hg19) VCF-style: chrX-44913079-A-C.
Other names: c.754A>C, p.Met252Leu (NM_001291416.2, NM_001291417.2, NM_001291418.2 and 9 more transcripts); c.1A>C, p.Met1Leu (NM_001291421.2); short protein forms M252L, M1L.
Identifiers: ClinVar variation 3716834 (VCV003716834.2).
Genomic context (GRCh38, chrX:45,053,834, plus strand): 5'-ACATAGAAGAACAATTAAGTCATTTATGTAAATTTTTTTAAATCATTTACTGTAGGTTGG[A>C]TGCATCACACTGTAGATCTCCTGGGAGATAAAGCCACCAAGGAAAGCTATGCTATTCAGT-3'
Protein context (NP_001278344.1, residues 242-262): KATVLQQLGW[Met252Leu]HHTVDLLGDK

ClinVar aggregate classification (germline): Uncertain significance (1 of 4 stars; one submission).

Conditions:
Kabuki syndrome 2 (KABUK2). Also called: KDM6A-Related Kabuki Syndrome. Identifiers: Orphanet 2322, MedGen C3275495, MONDO:0010465, OMIM 300867.

gnomAD v4.1: 1 of 1,185,820 alleles (0.000084%); highest among the groups gnomAD compares: Non-Finnish European, 0.00011%; no homozygotes.

Submission:

Labcorp Genetics (formerly Invitae), Labcorp
Classification: Uncertain significance for Kabuki syndrome 2. Last evaluated: 2024-06-16. Review status: criteria provided, single submitter. Criteria: Invitae Variant Classification Sherloc (09022015). Collection method: clinical testing. Allele origin: germline.
Comment: This sequence change replaces methionine, which is neutral and non-polar, with leucine, which is neutral and non-polar, at codon 252 of the KDM6A protein (p.Met252Leu). This variant is present in population databases (rs376747068, gnomAD 0.001%), including at least one homozygous and/or hemizygous individual. This variant has not been reported in the literature in individuals affected with KDM6A-related conditions. Advanced modeling of protein sequence and biophysical properties (such as structural, functional, and spatial information, amino acid conservation, physicochemical variation, residue mobility, and thermodynamic stability) performed at Invitae indicates that this missense variant is expected to disrupt KDM6A protein function with a positive predictive value of 80%. In summary, the available evidence is currently insufficient to determine the role of this variant in disease. Therefore, it has been classified as a Variant of Uncertain Significance.